The following is an entry in ClinVar:

ClinVar aggregate classification (germline): Uncertain significance (1 of 4 stars; one submission).

Conditions:
Kabuki syndrome. Also called: Kabuki make-up syndrome; NIIKAWA-KUROKI SYNDROME. Identifiers: Orphanet 2322, MedGen C0796004, MONDO:0016512.

Submission:

Labcorp Genetics (formerly Invitae), Labcorp
Classification: Uncertain significance for Kabuki syndrome. Last evaluated: 2025-01-06. Review status: criteria provided, single submitter. Criteria: Invitae Variant Classification Sherloc (09022015). Collection method: clinical testing. Allele origin: germline.
Comment: This sequence change replaces proline, which is neutral and non-polar, with glutamine, which is neutral and polar, at codon 556 of the KMT2D protein (p.Pro556Gln). This variant is not present in population databases (gnomAD no frequency). This variant has not been reported in the literature in individuals affected with KMT2D-related conditions. ClinVar contains an entry for this variant (Variation ID: 1978645). Invitae Evidence Modeling of protein sequence and biophysical properties (such as structural, functional, and spatial information, amino acid conservation, physicochemical variation, residue mobility, and thermodynamic stability) indicates that this missense variant is not expected to disrupt KMT2D protein function with a negative predictive value of 95%. In summary, the available evidence is currently insufficient to determine the role of this variant in disease. Therefore, it has been classified as a Variant of Uncertain Significance.

NM_003482.4(KMT2D):c.1667C>A (p.Pro556Gln)

Gene: KMT2D (lysine methyltransferase 2D; minus strand). Cytogenetic location: 12q13.12.
Variant type: single nucleotide variant.
Coding change: c.1667C>A on transcript NM_003482.4 (MANE Select); coding-DNA position 1667, C replaced by A.
Protein change: p.Pro556Gln; replaces proline 556 with glutamine.
Molecular consequence: missense variant.
Genome position (GRCh38, 1-based): chr12:49,052,016, G>T on the plus strand (C>A on the coding strand, the complement: KMT2D is on the minus strand). VCF-style: chr12-49052016-G-T. GRCh37 (hg19) VCF-style: chr12-49445799-G-T.
Other names: short protein forms P556Q.
Identifiers: ClinVar variation 1978645 (VCV001978645.4), dbSNP rs748450844, ClinGen allele CA384673882.